The following is an entry in ClinVar:

NM_022089.4(ATP13A2):c.1657C>T (p.Arg553Ter)

Gene: ATP13A2 (ATPase cation transporting 13A2; minus strand). Cytogenetic location: 1p36.13.
Variant type: single nucleotide variant.
Coding change: c.1657C>T on transcript NM_022089.4 (MANE Select); coding-DNA position 1657, C replaced by T.
Protein change: p.Arg553Ter; replaces arginine 553 with a stop codon.
Molecular consequence: nonsense.
Genome position (GRCh38, 1-based): chr1:16,993,721, G>A on the plus strand (C>T on the coding strand, the complement: ATP13A2 is on the minus strand). VCF-style: chr1-16993721-G-A. GRCh37 (hg19) VCF-style: chr1-17320216-G-A.
Other names: c.1642C>T, p.Arg548Ter (NM_001141973.3, NM_001141974.3); short protein forms R548*, R553*.
Identifiers: ClinVar variation 982648 (VCV000982648.3), dbSNP rs1264582344, ClinGen allele CA338248536.
Genomic context (GRCh38, chr1:16,993,721, plus strand): 5'-TGGGGTCGCCCACGGGGGTGTCCTGGAGCCGGCTGAGGGCATGGCAGGTGGCCAGTGCTC[G>A]GAGCAGGGGCCCCACAGGCAGGCGGCGAGGCTCTGGGACCAGGGGCAGGAATGCCTGCCC-3'

ClinVar aggregate classification (germline): Pathogenic/Likely pathogenic. Review status: criteria provided, multiple submitters, no conflicts (2 of 4 stars). 3 submissions from 3 submitters: Pathogenic (1); Likely pathogenic (2). Last evaluated 2025-06-26.

Conditions:
Autosomal recessive spastic paraplegia type 78. Identifiers: Orphanet 513436, MedGen C5567893, MONDO:0014975, OMIM 617225.
Kufor-Rakeb syndrome (KRS). Also called: PARKINSON DISEASE 9, AUTOSOMAL RECESSIVE, JUVENILE-ONSET. Identifiers: Orphanet 306674, Orphanet 314632, MedGen C1847640, MONDO:0011706, OMIM 606693.

Allele frequency attached by ClinVar (database versions not stated): gnomAD exomes 0.00001 and below 0.00001; TOPMed below 0.00001.
gnomAD v4.1: 6 of 1,593,676 alleles (0.00038%); highest among the groups gnomAD compares: South Asian, 0.0011%; no homozygotes.

Submissions (3):

First Genomix Gene Laboratory, Genetic Diagnostics Department
Classification: Likely pathogenic for Kufor-Rakeb syndrome; Autosomal recessive spastic paraplegia type 78. Last evaluated: 2025-06-26. Review status: criteria provided, single submitter. Criteria: ACMG Guidelines, 2015. Collection method: clinical testing. Allele origin: germline. Inheritance: Autosomal recessive inheritance. Affected: no. Observed: 1 variant allele.

Fulgent Genetics
Classification: Likely pathogenic for Kufor-Rakeb syndrome; Autosomal recessive spastic paraplegia type 78. Last evaluated: 2021-12-17. Review status: criteria provided, single submitter. Criteria: ACMG Guidelines, 2015. Collection method: clinical testing. Allele origin: unknown.

Institute of Human Genetics, University of Leipzig Medical Center
Classification: Pathogenic for Autosomal recessive spastic paraplegia type 78. Last evaluated: 2019-01-01. Review status: criteria provided, single submitter. Criteria: ACMG Guidelines, 2015. Collection method: clinical testing. Allele origin: unknown. Affected: yes.